The following is an entry in ClinVar:

NM_002609.4(PDGFRB):c.937A>G (p.Ser313Gly)

Gene: PDGFRB (platelet derived growth factor receptor beta; minus strand). Cytogenetic location: 5q32.
Variant type: single nucleotide variant.
Coding change: c.937A>G on transcript NM_002609.4 (MANE Select); coding-DNA position 937, A replaced by G.
Protein change: p.Ser313Gly; replaces serine 313 with glycine.
Molecular consequence: missense variant.
Genome position (GRCh38, 1-based): chr5:150,132,940, T>C on the plus strand (A>G on the coding strand, the complement: PDGFRB is on the minus strand). VCF-style: chr5-150132940-T-C. GRCh37 (hg19) VCF-style: chr5-149512503-T-C.
Other names: c.745A>G, p.Ser249Gly (NM_001355016.2); c.454A>G, p.Ser152Gly (NM_001355017.2); short protein forms S249G, S313G, S152G.
Identifiers: ClinVar variation 639829 (VCV000639829.11), dbSNP rs1580808180, ClinGen allele CA361720744.

ClinVar aggregate classification (germline): Uncertain significance. Review status: criteria provided, multiple submitters, no conflicts (2 of 4 stars). 3 submissions from 3 submitters: Uncertain significance (3). Last evaluated 2025-10-18.

Conditions:
Basal ganglia calcification, idiopathic, 4 (PFBC4). Also called: PRIMARY FAMILIAL BRAIN CALCIFICATION 4, AUTOSOMAL DOMINANT; Familial Idiopathic Basal Ganglia Calcification 4. Identifiers: Orphanet 1980, MedGen C3554321, MONDO:0014004, OMIM 615007.
Infantile myofibromatosis (IMF). Also called: Congenital generalized fibromatosis. Identifiers: Orphanet 2591, MedGen C0432284, MONDO:0016824.
Acroosteolysis-keloid-like lesions-premature aging syndrome. Also called: Progeroid syndrome, Penttinen type; Premature aging syndrome, Penttinen type; Prematurely aged appearance, delayed bone maturation, acro-osteolysis, and brachydactyly. Identifiers: Orphanet 363665, MedGen C1866182, MONDO:0011150, OMIM 601812.
Skeletal overgrowth-craniofacial dysmorphism-hyperelastic skin-white matter lesions syndrome. Also called: SKELETAL OVERGROWTH WITH FACIAL DYSMORPHISM, HYPERELASTIC SKIN, WHITE MATTER LESIONS, AND NEUROLOGIC DETERIORATION; Kosaki overgrowth syndrome. Identifiers: Orphanet 477831, MedGen C4225270, MONDO:0014704, OMIM 616592.
Inborn genetic diseases. Identifiers: MedGen C0950123, MeSH D030342.

Allele frequency attached by ClinVar (database versions not stated): TOPMed below 0.00001; gnomAD 0.00001.

Submissions (3):

Ambry Genetics
Classification: Uncertain significance for Inborn genetic diseases. Last evaluated: 2025-10-18. Review status: criteria provided, single submitter. Criteria: Ambry Variant Classification Scheme 2023. Collection method: clinical testing. Allele origin: germline.

GeneDx
Classification: Uncertain significance. Last evaluated: 2023-06-30. Review status: criteria provided, single submitter. Criteria: GeneDx Variant Classification Process June 2021. Collection method: clinical testing. Allele origin: germline. Affected: yes.
Comment: Not observed at significant frequency in large population cohorts (gnomAD); In silico analysis supports that this missense variant does not alter protein structure/function; Has not been previously published as pathogenic or benign to our knowledge

Labcorp Genetics (formerly Invitae), Labcorp
Classification: Uncertain significance for Basal ganglia calcification, idiopathic, 4; Skeletal overgrowth-craniofacial dysmorphism-hyperelastic skin-white matter lesions syndrome; Infantile myofibromatosis; Acroosteolysis-keloid-like lesions-premature aging syndrome. Last evaluated: 2018-07-01. Review status: criteria provided, single submitter. Criteria: Invitae Variant Classification Sherloc (09022015). Collection method: clinical testing. Allele origin: germline.
Comment: In summary, the available evidence is currently insufficient to determine the role of this variant in disease. Therefore, it has been classified as a Variant of Uncertain Significance. Algorithms developed to predict the effect of missense changes on protein structure and function (SIFT, PolyPhen-2, Align-GVGD) all suggest that this variant is likely to be tolerated, but these predictions have not been confirmed by published functional studies and their clinical significance is uncertain. This variant has not been reported in the literature in individuals with PDGFRB-related disease. This variant is not present in population databases (ExAC no frequency). This sequence change replaces serine with glycine at codon 313 of the PDGFRB protein (p.Ser313Gly). The serine residue is moderately conserved and there is a small physicochemical difference between serine and glycine.